The following is an entry in ClinVar:

ClinVar aggregate classification (germline): Uncertain significance (1 of 4 stars; one submission).

Submission:

GeneDx
Classification: Uncertain significance. Last evaluated: 2019-10-09. Review status: criteria provided, single submitter. Criteria: GeneDx Variant Classification Process June 2021. Collection method: clinical testing. Allele origin: germline. Affected: yes.
Comment: Not observed in large population cohorts (Lek et al., 2016); In-silico analysis, which includes splice predictors and evolutionary conservation, is inconclusive as to whether the variant alters gene splicing. In the absence of RNA/functional studies, the actual effect of this sequence change is unknown; Has not been previously published as pathogenic or benign to our knowledge

NM_000032.5(ALAS2):c.1437G>C (p.Arg479=)

Gene: ALAS2 (5'-aminolevulinate synthase 2; minus strand). Cytogenetic location: Xp11.21.
Variant type: single nucleotide variant.
Coding change: c.1437G>C on transcript NM_000032.5 (MANE Select); coding-DNA position 1437, G replaced by C.
Protein change: p.Arg479=; no amino-acid change (arginine 479 retained).
Molecular consequence: synonymous variant.
Genome position (GRCh38, 1-based): chrX:55,014,747, C>G on the plus strand (G>C on the coding strand, the complement: ALAS2 is on the minus strand). VCF-style: chrX-55014747-C-G. GRCh37 (hg19) VCF-style: chrX-55041180-C-G.
Other names: c.1326G>C, p.Arg442= (NM_001037967.4); c.1398G>C, p.Arg466= (NM_001037968.4).
Identifiers: ClinVar variation 1219221 (VCV001219221.3), dbSNP rs2146716381, ClinGen allele CA516581445.
Genomic context (GRCh38, chrX:55,014,747, plus strand): 5'-GAGCGTGAGGCTCCCAGAATAAATAGGTGGAGAGGGCAATGGGCATGGTGGGGCTCTCAC[C>G]CGGATGGGGATGATGTGGCTGGGGCAGGGGATGACAGGAAGGCCCCTGTCCATGAGTAGC-3'
Protein context (NP_000023.2, residues 469-489): IPCPSHIIPI[Arg479=]VGNAALNSKL